The following is an entry in ClinVar:

NM_001376.5(DYNC1H1):c.9320A>G (p.Lys3107Arg)

Genes: DYNC1H1 (dynein cytoplasmic 1 heavy chain 1; plus strand), LOC126862060 (BRD4-independent group 4 enhancer GRCh37_chr14:102493659-102494858; plus strand). Cytogenetic location: 14q32.31.
Variant type: single nucleotide variant.
Coding change: c.9320A>G on transcript NM_001376.5 (MANE Select); coding-DNA position 9320, A replaced by G.
Protein change: p.Lys3107Arg; replaces lysine 3107 with arginine.
Molecular consequence: missense variant.
Genome position (GRCh38, 1-based): chr14:102,027,993, A>G. VCF-style: chr14-102027993-A-G. GRCh37 (hg19) VCF-style: chr14-102494330-A-G.
Other names: short protein forms K3107R.
Identifiers: ClinVar variation 3767826 (VCV003767826.1).

ClinVar aggregate classification (germline): Uncertain significance (1 of 4 stars; one submission).

gnomAD v4.1: 2 of 1,614,180 alleles (0.00012%); highest among the groups gnomAD compares: Non-Finnish European, 0.00017%; no homozygotes.

Submission:

GeneDx
Classification: Uncertain significance. Last evaluated: 2024-09-10. Review status: criteria provided, single submitter. Criteria: GeneDx Variant Classification Process June 2021. Collection method: clinical testing. Allele origin: germline. Affected: yes.
Comment: In silico analysis indicates that this missense variant does not alter protein structure/function; Has not been previously published as pathogenic or benign to our knowledge; This variant is associated with the following publications: (PMID: 25512093, 25609763, 26100331)